The following is an entry in ClinVar:

ClinVar aggregate classification (germline): Conflicting classifications of pathogenicity. Review status: criteria provided, conflicting classifications (1 of 4 stars). 4 submissions from 4 submitters: Uncertain significance (2); Likely benign (2). Last evaluated 2026-06-01.

Conditions:
Inborn genetic diseases. Identifiers: MedGen C0950123, MeSH D030342.
Landau-Kleffner syndrome (FESD). Also called: EPILEPSY, FOCAL, WITH SPEECH DISORDER AND WITH OR WITHOUT MENTAL RETARDATION; APHASIA, ACQUIRED, WITH EPILEPSY. Identifiers: Orphanet 1945, Orphanet 725, Orphanet 98818, MedGen C0282512, MONDO:0009509, OMIM 245570.

Allele frequency attached by ClinVar (database versions not stated): gnomAD 0.00001; ExAC 0.00002; gnomAD exomes 0.00001 and 0.00002; TOPMed below 0.00001.
gnomAD v4.1: 12 of 1,613,990 alleles (0.00074%); highest among the groups gnomAD compares: East Asian, 0.0022%; no homozygotes.

Submissions (4):

CeGaT Center for Human Genetics Tuebingen
Classification: Likely benign. Last evaluated: 2026-06-01. Review status: criteria provided, single submitter. Criteria: CeGaT Center For Human Genetics Tuebingen Variant Classification Criteria Version 2. Collection method: clinical testing. Allele origin: germline. Affected: yes. Observed: 1 variant allele.
Comment: GRIN2A: BP4

Labcorp Genetics (formerly Invitae), Labcorp
Classification: Likely benign for Landau-Kleffner syndrome. Last evaluated: 2025-04-07. Review status: criteria provided, single submitter. Criteria: Invitae Variant Classification Sherloc (09022015). Collection method: clinical testing. Allele origin: germline.

Ambry Genetics
Classification: Uncertain significance for Inborn genetic diseases. Last evaluated: 2023-08-21. Review status: criteria provided, single submitter. Criteria: Ambry Variant Classification Scheme 2023. Collection method: clinical testing. Allele origin: germline.

GeneDx
Classification: Uncertain significance. Last evaluated: 2017-11-02. Review status: criteria provided, single submitter. Criteria: GeneDx Variant Classification (06012015). Collection method: clinical testing. Allele origin: germline. Affected: yes.
Comment: A variant of uncertain significance has been identified in the GRIN2A gene. The R899Q variant has not been published as a pathogenic variant, nor has it been reported as a benign variant to our knowledge. The R899Q variant is not observed at a significant frequency in large population cohorts (Lek et al., 2016; 1000 Genomes Consortium et al., 2015; Exome Variant Server). The R899Q variant is a semi-conservative amino acid substitution, which may impact secondary protein structure as these residues differ in some properties. This substitution occurs at a position where amino acids with similar properties to Arginine are tolerated across species. In silico analysis is inconsistent in its predictions as to whether or not the variant is damaging to the protein structure/function. Based on the currently available information, it is unclear whether this variant is a pathogenic variant or a rare benign variant.

NM_001134407.3(GRIN2A):c.2696G>A (p.Arg899Gln)

Gene: GRIN2A (glutamate ionotropic receptor NMDA type subunit 2A; minus strand). Cytogenetic location: 16p13.2.
Variant type: single nucleotide variant.
Coding change: c.2696G>A on transcript NM_001134407.3 (MANE Select); coding-DNA position 2696, G replaced by A.
Protein change: p.Arg899Gln; replaces arginine 899 with glutamine.
Molecular consequence: missense variant.
Genome position (GRCh38, 1-based): chr16:9,764,848, C>T on the plus strand (G>A on the coding strand, the complement: GRIN2A is on the minus strand). VCF-style: chr16-9764848-C-T. GRCh37 (hg19) VCF-style: chr16-9858705-C-T.
Other names: c.2696G>A, p.Arg899Gln (NM_000833.5, NM_001134408.2); short protein forms R899Q.
Identifiers: ClinVar variation 423738 (VCV000423738.7), dbSNP rs759145938, ClinGen allele CA7896438.